The following is an entry in ClinVar:

NM_001429.4(EP300):c.7064A>G (p.Gln2355Arg)

Gene: EP300 (EP300 lysine acetyltransferase; plus strand). Cytogenetic location: 22q13.2.
Variant type: single nucleotide variant.
Coding change: c.7064A>G on transcript NM_001429.4 (MANE Select); coding-DNA position 7064, A replaced by G.
Protein change: p.Gln2355Arg; replaces glutamine 2355 with arginine.
Molecular consequence: missense variant.
Genome position (GRCh38, 1-based): chr22:41,178,775, A>G. VCF-style: chr22-41178775-A-G. GRCh37 (hg19) VCF-style: chr22-41574779-A-G.
Other names: c.6986A>G, p.Gln2329Arg (NM_001362843.2); short protein forms Q2355R, Q2329R.
Identifiers: ClinVar variation 2056798 (VCV002056798.5), dbSNP rs2059220210, ClinGen allele CA411684160.

ClinVar aggregate classification (germline): Uncertain significance. Review status: criteria provided, multiple submitters, no conflicts (2 of 4 stars). 2 submissions from 2 submitters: Uncertain significance (2). Last evaluated 2022-09-23.

Conditions:
Rubinstein-Taybi syndrome due to EP300 haploinsufficiency. Also called: EP300-Related Rubinstein-Taybi Syndrome; RUBINSTEIN-TAYBI SYNDROME 2. Identifiers: Orphanet 353284, Orphanet 783, MedGen C3150941, MONDO:0013364, OMIM 613684.

Allele frequency attached by ClinVar (database versions not stated): gnomAD exomes below 0.00001; TOPMed below 0.00001.
gnomAD v4.1: 3 of 1,614,134 alleles (0.00019%); highest among the groups gnomAD compares: Non-Finnish European, 0.00025%; no homozygotes.

Submissions (2):

Labcorp Genetics (formerly Invitae), Labcorp
Classification: Uncertain significance for Rubinstein-Taybi syndrome due to EP300 haploinsufficiency. Last evaluated: 2022-09-23. Review status: criteria provided, single submitter. Criteria: Invitae Variant Classification Sherloc (09022015). Collection method: clinical testing. Allele origin: germline.
Comment: This variant has not been reported in the literature in individuals affected with EP300-related conditions. This variant is not present in population databases (gnomAD no frequency). This sequence change replaces glutamine, which is neutral and polar, with arginine, which is basic and polar, at codon 2355 of the EP300 protein (p.Gln2355Arg). Advanced modeling of protein sequence and biophysical properties (such as structural, functional, and spatial information, amino acid conservation, physicochemical variation, residue mobility, and thermodynamic stability) performed at Invitae indicates that this missense variant is not expected to disrupt EP300 protein function. In summary, the available evidence is currently insufficient to determine the role of this variant in disease. Therefore, it has been classified as a Variant of Uncertain Significance.

Blueprint Genetics
Classification: Uncertain significance. Last evaluated: 2022-02-28. Review status: criteria provided, single submitter. Criteria: ACMG Guidelines, 2015. Collection method: clinical testing. Allele origin: germline.